The following is an entry in ClinVar:

ClinVar aggregate classification (germline): Uncertain significance (1 of 4 stars; one submission).

Conditions:
Catecholaminergic polymorphic ventricular tachycardia (CVPT). Also called: Catecholamine-induced polymorphic ventricular tachycardia. Identifiers: Orphanet 3286, MedGen C5574922, MONDO:0017990.

Submission:

All of Us Research Program, National Institutes of Health
Classification: Uncertain significance for Catecholaminergic polymorphic ventricular tachycardia. Last evaluated: 2024-09-23. Review status: criteria provided, single submitter. Criteria: ACMG Guidelines, 2015. Collection method: clinical testing. Allele origin: germline. Inheritance: Autosomal dominant inheritance. Observed: 1 variant allele, 1 heterozygote.
Comment: This study involves interpretation of variants in research participants for the purpose of population health screening. Participant phenotype was not available at the time of variant classification. Additional details can be found in publication PMID: 35346344, PMCID: PMC8962531

NM_001035.3(RYR2):c.1625G>C (p.Arg542Thr)

Gene: RYR2 (ryanodine receptor 2; plus strand). Cytogenetic location: 1q43.
Variant type: single nucleotide variant.
Coding change: c.1625G>C on transcript NM_001035.3 (MANE Select); coding-DNA position 1625, G replaced by C.
Protein change: p.Arg542Thr; replaces arginine 542 with threonine.
Molecular consequence: missense variant.
Genome position (GRCh38, 1-based): chr1:237,469,104, G>C. VCF-style: chr1-237469104-G-C. GRCh37 (hg19) VCF-style: chr1-237632404-G-C.
Other names: short protein forms R542T.
Identifiers: ClinVar variation 3385674 (VCV003385674.1).